The following is an entry in ClinVar:

NM_000059.4(BRCA2):c.5524C>A (p.Pro1842Thr)

Gene: BRCA2 (BRCA2 DNA repair associated; plus strand). Cytogenetic location: 13q13.1.
Variant type: single nucleotide variant.
Coding change: c.5524C>A on transcript NM_000059.4 (MANE Select); coding-DNA position 5524, C replaced by A.
Protein change: p.Pro1842Thr; replaces proline 1842 with threonine.
Molecular consequence: missense variant.
Genome position (GRCh38, 1-based): chr13:32,339,879, C>A. VCF-style: chr13-32339879-C-A. GRCh37 (hg19) VCF-style: chr13-32914016-C-A.
Other names: short protein forms P1842T.
Identifiers: ClinVar variation 1044407 (VCV001044407.13), dbSNP rs2072531201, ClinGen allele CA387785889.
Genomic context (GRCh38, chr13:32,339,879, plus strand): 5'-AATAAAAATGCAGCCATTAAATTGTCCATATCTAATAGTAATAATTTTGAGGTAGGGCCA[C>A]CTGCATTTAGGATAGCCAGTGGTAAAATCGTTTGTGTTTCACATGAAACAATTAAAAAAG-3'
Protein context (NP_000050.3, residues 1832-1852): SNSNNFEVGP[Pro1842Thr]AFRIASGKIV

ClinVar aggregate classification (germline): Conflicting classifications of pathogenicity. Review status: criteria provided, conflicting classifications (1 of 4 stars). 4 submissions from 4 submitters: Uncertain significance (3); Likely benign (1). Last evaluated 2025-06-03.

Conditions:
Hereditary cancer-predisposing syndrome. Also called: Hereditary Cancer Syndrome; Tumor predisposition; Hereditary neoplastic syndrome; Neoplastic Syndromes, Hereditary. Identifiers: Orphanet 140162, MedGen C0027672, MeSH D009386, MONDO:0015356.
Hereditary breast ovarian cancer syndrome. Also called: Hereditary breast and ovarian cancer syndrome (HBOC); Breast and ovarian cancer; Hereditary breast and ovarian cancer syndrome; Hereditary breast and ovarian cancer; Hereditary breast and/or ovarian cancer syndrome; BRCA1- and BRCA2-Associated Hereditary Breast and Ovarian Cancer. Identifiers: Orphanet 145, MedGen C0677776, MeSH D061325, MONDO:0003582. Disease mechanism: loss of function.

Submissions (4):

Color Diagnostics, LLC DBA Color Health
Classification: Uncertain significance for Hereditary cancer-predisposing syndrome. Last evaluated: 2025-06-03. Review status: criteria provided, single submitter. Criteria: ACMG Guidelines, 2015. Collection method: clinical testing. Allele origin: germline.
Comment: This missense variant replaces proline with threonine at codon 1842 of the BRCA2 protein. Computational prediction suggests that this variant may not impact protein structure and function. To our knowledge, functional studies have not been reported for this variant. This variant has not been reported in individuals affected with BRCA2-related disorders in the literature. This variant has not been identified in the general population by the Genome Aggregation Database (gnomAD). The available evidence is insufficient to determine the role of this variant in disease conclusively. Therefore, this variant is classified as a Variant of Uncertain Significance.

Labcorp Genetics (formerly Invitae), Labcorp
Classification: Uncertain significance for Hereditary breast ovarian cancer syndrome. Last evaluated: 2024-11-26. Review status: criteria provided, single submitter. Criteria: Invitae Variant Classification Sherloc (09022015). Collection method: clinical testing. Allele origin: germline.
Comment: This sequence change replaces proline, which is neutral and non-polar, with threonine, which is neutral and polar, at codon 1842 of the BRCA2 protein (p.Pro1842Thr). This variant is not present in population databases (gnomAD no frequency). This variant has not been reported in the literature in individuals affected with BRCA2-related conditions. ClinVar contains an entry for this variant (Variation ID: 1044407). Invitae Evidence Modeling of protein sequence and biophysical properties (such as structural, functional, and spatial information, amino acid conservation, physicochemical variation, residue mobility, and thermodynamic stability) indicates that this missense variant is not expected to disrupt BRCA2 protein function with a negative predictive value of 95%. In summary, the available evidence is currently insufficient to determine the role of this variant in disease. Therefore, it has been classified as a Variant of Uncertain Significance.

Ambry Genetics
Classification: Uncertain significance for Hereditary cancer-predisposing syndrome. Last evaluated: 2024-10-13. Review status: criteria provided, single submitter. Criteria: Ambry Variant Classification Scheme 2023. Collection method: clinical testing. Allele origin: germline.
Comment: The p.P1842T variant (also known as c.5524C>A), located in coding exon 10 of the BRCA2 gene, results from a C to A substitution at nucleotide position 5524. The proline at codon 1842 is replaced by threonine, an amino acid with highly similar properties. This amino acid position is well conserved in available vertebrate species. In addition, the in silico prediction for this alteration is inconclusive. Since supporting evidence is limited at this time, the clinical significance of this alteration remains unclear.

University of Washington Department of Laboratory Medicine, University of Washington
Classification: Likely benign for Hereditary cancer-predisposing syndrome. Last evaluated: 2023-03-23. Review status: criteria provided, single submitter. Criteria: Dines et al. (Genet Med. 2020). Collection method: curation. Allele origin: germline.
Comment: Missense variant in a coldspot region where missense variants are very unlikely to be pathogenic (PMID:31911673).

BRCA2 exon 11 coldspot. Reclassification based on statistical prior probability.